The following is an entry in ClinVar:

ClinVar aggregate classification (germline): Uncertain significance. Review status: criteria provided, multiple submitters, no conflicts (2 of 4 stars). 2 submissions from 2 submitters: Uncertain significance (2). Last evaluated 2024-12-05.

Conditions:
Ullrich congenital muscular dystrophy 2 (UCMD2). Identifiers: Orphanet 75840, MedGen C4225314, MONDO:0014654, OMIM 616470.
Bethlem myopathy 2 (BTHLM2). Identifiers: Orphanet 536516, Orphanet 610, MedGen C4225313, MONDO:0034022, OMIM 616471.

Allele frequency attached by ClinVar (database versions not stated): gnomAD 0.00001; gnomAD exomes 0.00001.

Submissions (2):

Revvity Omics, Revvity
Classification: Uncertain significance. Last evaluated: 2024-12-05. Review status: criteria provided, single submitter. Criteria: ACMG Guidelines, 2015. Collection method: clinical testing. Allele origin: germline.

Labcorp Genetics (formerly Invitae), Labcorp
Classification: Uncertain significance for Bethlem myopathy 2; Ullrich congenital muscular dystrophy 2. Last evaluated: 2022-10-26. Review status: criteria provided, single submitter. Criteria: Invitae Variant Classification Sherloc (09022015). Collection method: clinical testing. Allele origin: germline.
Comment: In summary, the available evidence is currently insufficient to determine the role of this variant in disease. Therefore, it has been classified as a Variant of Uncertain Significance. Advanced modeling of protein sequence and biophysical properties (such as structural, functional, and spatial information, amino acid conservation, physicochemical variation, residue mobility, and thermodynamic stability) performed at Invitae indicates that this missense variant is expected to disrupt COL12A1 protein function. This variant has not been reported in the literature in individuals affected with COL12A1-related conditions. This variant is not present in population databases (gnomAD no frequency). This sequence change replaces threonine, which is neutral and polar, with methionine, which is neutral and non-polar, at codon 2578 of the COL12A1 protein (p.Thr2578Met).

NM_004370.6(COL12A1):c.7733C>T (p.Thr2578Met)

Gene: COL12A1 (collagen type XII alpha 1 chain; minus strand). Cytogenetic location: 6q13.
Variant type: single nucleotide variant.
Coding change: c.7733C>T on transcript NM_004370.6 (MANE Select); coding-DNA position 7733, C replaced by T.
Protein change: p.Thr2578Met; replaces threonine 2578 with methionine.
Molecular consequence: missense variant.
Genome position (GRCh38, 1-based): chr6:75,113,709, G>A on the plus strand (C>T on the coding strand, the complement: COL12A1 is on the minus strand). VCF-style: chr6-75113709-G-A. GRCh37 (hg19) VCF-style: chr6-75823425-G-A.
Other names: c.4241C>T, p.Thr1414Met (NM_080645.3); short protein forms T1414M, T2578M.
Identifiers: ClinVar variation 2134706 (VCV002134706.5), dbSNP rs1554169931, ClinGen allele CA364744423.